The following is an entry in ClinVar:

NM_033026.6(PCLO):c.14035G>A (p.Gly4679Ser)

Gene: PCLO (piccolo presynaptic cytomatrix protein; minus strand). Cytogenetic location: 7q21.11.
Variant type: single nucleotide variant.
Coding change: c.14035G>A on transcript NM_033026.6 (MANE Select); coding-DNA position 14035, G replaced by A.
Protein change: p.Gly4679Ser; replaces glycine 4679 with serine.
Molecular consequence: missense variant.
Genome position (GRCh38, 1-based): chr7:82,845,282, C>T on the plus strand (G>A on the coding strand, the complement: PCLO is on the minus strand). VCF-style: chr7-82845282-C-T. GRCh37 (hg19) VCF-style: chr7-82474598-C-T.
Other names: c.14035G>A, p.Gly4679Ser (NM_014510.3); c.14035G>A (NM_033026.5); short protein forms G4679S.
Identifiers: ClinVar variation 1406564 (VCV001406564.5), dbSNP rs780079111, ClinGen allele CA4318965.

ClinVar aggregate classification (germline): Conflicting classifications of pathogenicity. Review status: criteria provided, conflicting classifications (1 of 4 stars). 3 submissions from 3 submitters: Uncertain significance (2); Likely benign (1). Last evaluated 2024-06-03.

Conditions:
Inborn genetic diseases. Identifiers: MedGen C0950123, MeSH D030342.

Allele frequency attached by ClinVar (database versions not stated): gnomAD exomes 0.00004; gnomAD 0.00002 and 0.00003; TOPMed 0.00003; ExAC 0.00004.
gnomAD v4.1: 25 of 1,612,928 alleles (0.0015%); highest among the groups gnomAD compares: East Asian, 0.013%; no homozygotes.

Submissions (3):

GeneDx
Classification: Uncertain significance. Last evaluated: 2024-06-03. Review status: criteria provided, single submitter. Criteria: GeneDx Variant Classification Process June 2021. Collection method: clinical testing. Allele origin: germline. Affected: yes.
Comment: In silico analysis indicates that this missense variant does not alter protein structure/function; Has not been previously published as pathogenic or benign to our knowledge; Variants in candidate genes are classified as variants of uncertain significance in accordance with ACMG guidelines (PMID: 25741868)

Labcorp Genetics (formerly Invitae), Labcorp
Classification: Uncertain significance. Last evaluated: 2022-08-15. Review status: criteria provided, single submitter. Criteria: Invitae Variant Classification Sherloc (09022015). Collection method: clinical testing. Allele origin: germline.
Comment: This sequence change replaces glycine, which is neutral and non-polar, with serine, which is neutral and polar, at codon 4679 of the PCLO protein (p.Gly4679Ser). This variant is present in population databases (rs780079111, gnomAD 0.02%). This variant has not been reported in the literature in individuals affected with PCLO-related conditions. ClinVar contains an entry for this variant (Variation ID: 1406564). Algorithms developed to predict the effect of missense changes on protein structure and function output the following: SIFT: "Tolerated"; PolyPhen-2: "Not Available"; Align-GVGD: "Class C0". The serine amino acid residue is found in multiple mammalian species, which suggests that this missense change does not adversely affect protein function. In summary, the available evidence is currently insufficient to determine the role of this variant in disease. Therefore, it has been classified as a Variant of Uncertain Significance.

Ambry Genetics
Classification: Likely benign for Inborn genetic diseases. Last evaluated: 2022-02-10. Review status: criteria provided, single submitter. Criteria: Ambry Variant Classification Scheme 2023. Collection method: clinical testing. Allele origin: germline.